The following is an entry in ClinVar:

NM_002439.5(MSH3):c.1870G>A (p.Gly624Arg)

Gene: MSH3 (mutS homolog 3; plus strand). Cytogenetic location: 5q14.1.
Variant type: single nucleotide variant.
Coding change: c.1870G>A on transcript NM_002439.5 (MANE Select); coding-DNA position 1870, G replaced by A.
Protein change: p.Gly624Arg; replaces glycine 624 with arginine.
Molecular consequence: missense variant.
Genome position (GRCh38, 1-based): chr5:80,761,652, G>A. VCF-style: chr5-80761652-G-A. GRCh37 (hg19) VCF-style: chr5-80057471-G-A.
Other names: short protein forms G624R.
Identifiers: ClinVar variation 851877 (VCV000851877.16), dbSNP rs756300808, ClinGen allele CA3328068.

ClinVar aggregate classification (germline): Uncertain significance. Review status: criteria provided, multiple submitters, no conflicts (2 of 4 stars). 4 submissions from 4 submitters: Uncertain significance (4). Last evaluated 2025-08-30.

Conditions:
Hereditary cancer-predisposing syndrome. Also called: Neoplastic Syndromes, Hereditary; Hereditary Cancer Syndrome; Tumor predisposition; Hereditary neoplastic syndrome. Identifiers: Orphanet 140162, MedGen C0027672, MeSH D009386, MONDO:0015356.

Allele frequency attached by ClinVar (database versions not stated): gnomAD exomes below 0.00001 and 0.00001; ExAC 0.00002; gnomAD 0.00003; TOPMed 0.00003.
gnomAD v4.1: 11 of 1,613,740 alleles (0.00068%); highest among the groups gnomAD compares: African/African-American, 0.008%; no homozygotes.

Submissions (4):

Labcorp Genetics (formerly Invitae), Labcorp
Classification: Uncertain significance. Last evaluated: 2025-08-30. Review status: criteria provided, single submitter. Criteria: Invitae Variant Classification Sherloc (09022015). Collection method: clinical testing. Allele origin: germline.
Comment: This sequence change replaces glycine, which is neutral and non-polar, with arginine, which is basic and polar, at codon 624 of the MSH3 protein (p.Gly624Arg). This variant is present in population databases (rs756300808, gnomAD 0.01%). This variant has not been reported in the literature in individuals affected with MSH3-related conditions. ClinVar contains an entry for this variant (Variation ID: 851877). An algorithm developed to predict the effect of missense changes on protein structure and function (PolyPhen-2) suggests that this variant is likely to be disruptive. In summary, the available evidence is currently insufficient to determine the role of this variant in disease. Therefore, it has been classified as a Variant of Uncertain Significance.

Ambry Genetics
Classification: Uncertain significance for Hereditary cancer-predisposing syndrome. Last evaluated: 2025-04-03. Review status: criteria provided, single submitter. Criteria: Ambry Variant Classification Scheme 2023. Collection method: clinical testing. Allele origin: germline.
Comment: The p.G624R variant (also known as c.1870G>A), located in coding exon 13 of the MSH3 gene, results from a G to A substitution at nucleotide position 1870. The glycine at codon 624 is replaced by arginine, an amino acid with dissimilar properties. This amino acid position is highly conserved in available vertebrate species. In addition, this alteration is predicted to be deleterious by in silico analysis. Based on the available evidence, the clinical significance of this variant remains unclear.

GeneDx
Classification: Uncertain significance. Last evaluated: 2024-12-30. Review status: criteria provided, single submitter. Criteria: GeneDx Variant Classification Process June 2021. Collection method: clinical testing. Allele origin: germline. Affected: yes.
Comment: Not observed at significant frequency in large population cohorts (gnomAD); In silico analysis supports that this missense variant has a deleterious effect on protein structure/function; Has not been previously published as pathogenic or benign to our knowledge

Quest Diagnostics Nichols Institute San Juan Capistrano
Classification: Uncertain significance. Last evaluated: 2024-08-09. Review status: criteria provided, single submitter. Criteria: Quest Diagnostics criteria. Collection method: clinical testing. Allele origin: unknown.
Comment: The MSH3 c.1870G>A (p.Gly624Arg) variant has not been reported in individuals with MSH3-related conditions in the published literature. The frequency of this variant in the general population, 0.000012 (3/251304 chromosomes (Genome Aggregation Database)), is uninformative in the assessment of its pathogenicity. Analysis of this variant using bioinformatics tools for the prediction of the effect of amino acid changes on protein structure and function yielded predictions that this variant is damaging. Based on the available information, we are unable to determine the clinical significance of this variant.